The following is an entry in ClinVar:

NM_144997.7(FLCN):c.1539-19T>C

Gene: FLCN (folliculin; minus strand). Cytogenetic location: 17p11.2.
Variant type: single nucleotide variant.
Coding change: c.1539-19T>C on transcript NM_144997.7 (MANE Select); 19 bases into the intron before coding-DNA position 1539, T replaced by C.
Molecular consequence: intron variant.
Genome position (GRCh38, 1-based): chr17:17,213,875, A>G on the plus strand (T>C on the coding strand, the complement: FLCN is on the minus strand). VCF-style: chr17-17213875-A-G. GRCh37 (hg19) VCF-style: chr17-17117189-A-G.
Other names: c.1539-19T>C (NM_001353231.2, NM_001353230.2); c.1593-19T>C (NM_001353229.2).
Identifiers: ClinVar variation 1605317 (VCV001605317.9), dbSNP rs772021650, ClinGen allele CA8415939.

ClinVar aggregate classification (germline): Likely benign. Review status: criteria provided, multiple submitters, no conflicts (2 of 4 stars). 2 submissions from 2 submitters: Likely benign (2). Last evaluated 2026-02-04.

Conditions:
Birt-Hogg-Dube syndrome 1 (BHD1). Also called: FIBROFOLLICULOMAS WITH TRICHODISCOMAS AND ACROCHORDONS. Identifiers: Orphanet 122, MedGen CN375946, MONDO:0800445, OMIM 135150.
Birt-Hogg-Dube syndrome. Also called: Birt Hogg Dubé syndrome. Identifiers: Orphanet 122, MedGen C0346010, MONDO:0800444.

Allele frequency attached by ClinVar (database versions not stated): gnomAD exomes below 0.00001; TOPMed below 0.00001; ExAC 0.00001.
gnomAD v4.1: 3 of 1,613,308 alleles (0.00019%); highest among the groups gnomAD compares: Non-Finnish European, 0.00025%; no homozygotes.

Submissions (2):

Labcorp Genetics (formerly Invitae), Labcorp
Classification: Likely benign for Birt-Hogg-Dube syndrome. Last evaluated: 2026-02-04. Review status: criteria provided, single submitter. Criteria: Invitae Variant Classification Sherloc (09022015). Collection method: clinical testing. Allele origin: germline.

Myriad Genetics, Inc.
Classification: Likely benign for Birt-Hogg-Dube syndrome 1. Last evaluated: 2024-10-28. Review status: criteria provided, single submitter. Criteria: Myriad Autosomal Dominant, Autosomal Recessive and X-Linked Classification Criteria (2023). Collection method: clinical testing. Allele origin: unknown.
Comment: This variant is considered likely benign. This variant is intronic and is not expected to impact mRNA splicing.